The following is an entry in ClinVar:

NM_080680.3(COL11A2):c.317C>T (p.Ala106Val)

Gene: COL11A2 (collagen type XI alpha 2 chain; minus strand). Cytogenetic location: 6p21.32.
Variant type: single nucleotide variant.
Coding change: c.317C>T on transcript NM_080680.3 (MANE Select); coding-DNA position 317, C replaced by T.
Protein change: p.Ala106Val; replaces alanine 106 with valine.
Molecular consequence: missense variant. On other transcripts: 5 prime UTR variant (3), non-coding transcript variant (1).
Genome position (GRCh38, 1-based): chr6:33,189,104, G>A on the plus strand (C>T on the coding strand, the complement: COL11A2 is on the minus strand). VCF-style: chr6-33189104-G-A. GRCh37 (hg19) VCF-style: chr6-33156881-G-A.
Other names: c.317C>T, p.Ala106Val (NM_001163771.2, NM_001424108.1, NM_080679.3 and 1 more transcripts); c.-530C>T (NM_001424109.1, NM_001424110.1, NM_001424111.1); short protein forms A106V.
Identifiers: ClinVar variation 4741152 (VCV004741152.1).

ClinVar aggregate classification (germline): Uncertain significance (1 of 4 stars; one submission).

gnomAD v4.1: 5 of 1,614,160 alleles (0.00031%); highest among the groups gnomAD compares: African/African-American, 0.0067%; no homozygotes.

Submission:

Labcorp Genetics (formerly Invitae), Labcorp
Classification: Uncertain significance. Last evaluated: 2025-09-06. Review status: criteria provided, single submitter. Criteria: Invitae Variant Classification Sherloc (09022015). Collection method: clinical testing. Allele origin: germline.
Comment: This sequence change replaces alanine, which is neutral and non-polar, with valine, which is neutral and non-polar, at codon 106 of the COL11A2 protein (p.Ala106Val). This variant is present in population databases (rs575597368, gnomAD 0.007%). This variant has not been reported in the literature in individuals affected with COL11A2-related conditions. Invitae Evidence Modeling of protein sequence and biophysical properties (such as structural, functional, and spatial information, amino acid conservation, physicochemical variation, residue mobility, and thermodynamic stability) indicates that this missense variant is not expected to disrupt COL11A2 protein function with a negative predictive value of 95%. In summary, the available evidence is currently insufficient to determine the role of this variant in disease. Therefore, it has been classified as a Variant of Uncertain Significance.